The following is an entry in ClinVar:

ClinVar aggregate classification (germline): Uncertain significance (1 of 4 stars; one submission).

Conditions:
Cardiovascular phenotype. Identifiers: MedGen CN230736.

Submission:

Ambry Genetics
Classification: Uncertain significance for Cardiovascular phenotype. Last evaluated: 2024-12-09. Review status: criteria provided, single submitter. Criteria: Ambry Variant Classification Scheme 2023. Collection method: clinical testing. Allele origin: germline.
Comment: The p.I2788T variant (also known as c.8363T>C), located in coding exon 10 of the ALMS1 gene, results from a T to C substitution at nucleotide position 8363. The isoleucine at codon 2788 is replaced by threonine, an amino acid with similar properties. This amino acid position is well conserved in available vertebrate species. In addition, the in silico prediction for this alteration is inconclusive. Based on the available evidence, the clinical significance of this variant remains unclear.

NM_001378454.1(ALMS1):c.8360T>C (p.Ile2787Thr)

Gene: ALMS1 (ALMS1 centrosome and basal body associated protein; plus strand). Cytogenetic location: 2p13.1.
Variant type: single nucleotide variant.
Coding change: c.8360T>C on transcript NM_001378454.1 (MANE Select); coding-DNA position 8360, T replaced by C.
Protein change: p.Ile2787Thr; replaces isoleucine 2787 with threonine.
Molecular consequence: missense variant.
Genome position (GRCh38, 1-based): chr2:73,490,319, T>C. VCF-style: chr2-73490319-T-C. GRCh37 (hg19) VCF-style: chr2-73717446-T-C.
Other names: c.8363T>C, p.Ile2788Thr (NM_015120.4); short protein forms I2787T, I2788T.
Identifiers: ClinVar variation 3527467 (VCV003527467.1).